The following is an entry in ClinVar:

NM_006361.6(HOXB13):c.340C>A (p.Pro114Thr)

Gene: HOXB13 (homeobox B13; minus strand). Cytogenetic location: 17q21.32.
Variant type: single nucleotide variant.
Coding change: c.340C>A on transcript NM_006361.6 (MANE Select); coding-DNA position 340, C replaced by A.
Protein change: p.Pro114Thr; replaces proline 114 with threonine.
Molecular consequence: missense variant.
Genome position (GRCh38, 1-based): chr17:48,728,254, G>T on the plus strand (C>A on the coding strand, the complement: HOXB13 is on the minus strand). VCF-style: chr17-48728254-G-T. GRCh37 (hg19) VCF-style: chr17-46805616-G-T.
Other names: short protein forms P114T.
Identifiers: ClinVar variation 823739 (VCV000823739.14), dbSNP rs751698154, ClinGen allele CA8634006.

ClinVar aggregate classification (germline): Uncertain significance. Review status: criteria provided, multiple submitters, no conflicts (2 of 4 stars). 2 submissions from 2 submitters: Uncertain significance (2). Last evaluated 2026-03-23.

Conditions:
Hereditary cancer-predisposing syndrome. Also called: Tumor predisposition; Neoplastic Syndromes, Hereditary; Hereditary neoplastic syndrome; Hereditary Cancer Syndrome. Identifiers: Orphanet 140162, MedGen C0027672, MeSH D009386, MONDO:0015356.

Allele frequency attached by ClinVar (database versions not stated): ExAC 0.00001; gnomAD exomes 0.00001.
gnomAD v4.1: 11 of 1,614,194 alleles (0.00068%); highest among the groups gnomAD compares: East Asian, 0.022%; no homozygotes.

Submissions (2):

Ambry Genetics
Classification: Uncertain significance for Hereditary cancer-predisposing syndrome. Last evaluated: 2026-03-23. Review status: criteria provided, single submitter. Criteria: Ambry Variant Classification Scheme 2023. Collection method: clinical testing. Allele origin: germline.

Labcorp Genetics (formerly Invitae), Labcorp
Classification: Uncertain significance. Last evaluated: 2025-12-10. Review status: criteria provided, single submitter. Criteria: Invitae Variant Classification Sherloc (09022015). Collection method: clinical testing. Allele origin: germline.
Comment: This sequence change replaces proline, which is neutral and non-polar, with threonine, which is neutral and polar, at codon 114 of the HOXB13 protein (p.Pro114Thr). This variant is present in population databases (rs751698154, gnomAD 0.02%). This missense change has been observed in individual(s) with biliary tract cancer (PMID: 36243179). ClinVar contains an entry for this variant (Variation ID: 823739). Invitae Evidence Modeling of protein sequence and biophysical properties (such as structural, functional, and spatial information, amino acid conservation, physicochemical variation, residue mobility, and thermodynamic stability) indicates that this missense variant is not expected to disrupt HOXB13 protein function with a negative predictive value of 80%. In summary, the available evidence is currently insufficient to determine the role of this variant in disease. Therefore, it has been classified as a Variant of Uncertain Significance.

Literature cited by the submitters: PubMed 36243179 (cited by Labcorp Genetics (formerly Invitae), Labcorp).